The following is an entry in ClinVar:

NM_020778.5(ALPK3):c.3965+2T>C

Gene: ALPK3 (alpha kinase 3; plus strand). Cytogenetic location: 15q25.3.
Variant type: single nucleotide variant.
Coding change: c.3965+2T>C on transcript NM_020778.5 (MANE Select); the canonical splice donor site of the intron after coding-DNA position 3965, T replaced by C.
Molecular consequence: splice donor variant.
Genome position (GRCh38, 1-based): chr15:84,859,392, T>C. VCF-style: chr15-84859392-T-C. GRCh37 (hg19) VCF-style: chr15-85402623-T-C.
Identifiers: ClinVar variation 2449082 (VCV002449082.5), dbSNP rs1201826827, ClinGen allele CA393361784.

ClinVar aggregate classification (germline): Conflicting classifications of pathogenicity. Review status: criteria provided, conflicting classifications (1 of 4 stars). 2 submissions from 2 submitters: Likely pathogenic (1); Uncertain significance (1). Last evaluated 2023-02-24.

Conditions:
Cardiovascular phenotype. Identifiers: MedGen CN230736.

Allele frequency attached by ClinVar (database versions not stated): gnomAD 0.00001.
gnomAD v4.1: 1 of 1,613,844 alleles (0.000062%); highest among the groups gnomAD compares: African/African-American, 0.0013%; no homozygotes.

Submissions (2):

Labcorp Genetics (formerly Invitae), Labcorp
Classification: Likely pathogenic. Last evaluated: 2023-02-24. Review status: criteria provided, single submitter. Criteria: Invitae Variant Classification Sherloc (09022015). Collection method: clinical testing. Allele origin: germline.
Comment: In summary, the currently available evidence indicates that the variant is pathogenic, but additional data are needed to prove that conclusively. Therefore, this variant has been classified as Likely Pathogenic. Algorithms developed to predict the effect of sequence changes on RNA splicing suggest that this variant may disrupt the consensus splice site. This variant has not been reported in the literature in individuals affected with ALPK3-related conditions. This variant is present in population databases (no rsID available, gnomAD 0.01%). This sequence change affects a donor splice site in intron 7 of the ALPK3 gene. It is expected to disrupt RNA splicing. Variants that disrupt the donor or acceptor splice site typically lead to a loss of protein function (PMID: 16199547), and loss-of-function variants in ALPK3 are known to be pathogenic (PMID: 21441111, 26846950, 27106955, 34263907).

Ambry Genetics
Classification: Uncertain significance for Cardiovascular phenotype. Last evaluated: 2022-11-15. Review status: criteria provided, single submitter. Criteria: Ambry Variant Classification Scheme 2023. Collection method: clinical testing. Allele origin: germline.
Comment: The c.4571+2T>C intronic variant results from a T to C substitution two nucleotides after coding exon 7 in the ALPK3 gene. In silico splice site analysis predicts that this alteration will weaken the native splice donor site and will result in the creation or strengthening of a novel splice donor site. Alterations that disrupt the canonical splice site are expected to cause aberrant splicing, resulting in an abnormal protein or a transcript that is subject to nonsense-mediated mRNA decay; however, +2T>C alterations are capable of generating wild-type transcripts in some genomic contexts and should be interpreted with caution (Lin JH et al. Hum Mutat. 2019 10;40:1856-1873). Since supporting evidence is limited at this time, the clinical significance of this alteration remains unclear.

Literature cited by the submitters: PubMed 16199547 (cited by Labcorp Genetics (formerly Invitae), Labcorp); PubMed 21441111 (cited by Labcorp Genetics (formerly Invitae), Labcorp); PubMed 26846950 (cited by Labcorp Genetics (formerly Invitae), Labcorp); PubMed 27106955 (cited by Labcorp Genetics (formerly Invitae), Labcorp); PubMed 34263907 (cited by Labcorp Genetics (formerly Invitae), Labcorp).